The following is an entry in ClinVar:

ClinVar aggregate classification (germline): Benign. Review status: criteria provided, multiple submitters, no conflicts (2 of 4 stars). 3 submissions from 2 submitters: Benign (3). Last evaluated 2018-01-13.

Conditions:
Autosomal dominant nonsyndromic hearing loss 6 (LFSNHL). Also called: DEAFNESS, AUTOSOMAL DOMINANT 6; Autosomal dominant nonsyndromic deafness 6; DEAFNESS, AUTOSOMAL DOMINANT 14; DEAFNESS, AUTOSOMAL DOMINANT 38. Identifiers: Orphanet 90635, MedGen C1833021, MONDO:0010963, OMIM 600965.
WFS1-Related Spectrum Disorders.

Allele frequency attached by ClinVar (database versions not stated): gnomAD 0.53926 and 0.54931; TOPMed 0.55089; gnomAD exomes 0.60728; 1000 Genomes Project 30x 0.61868; 1000 Genomes Project 0.62620.
gnomAD v4.1: 87,008 of 157,996 alleles (55%); highest among the groups gnomAD compares: East Asian, 93%; 24,993 homozygotes.

Submissions (5):

Illumina Laboratory Services, Illumina
Classification: Benign for WFS1-Related Spectrum Disorders. Last evaluated: 2018-01-13. Review status: criteria provided, single submitter. Criteria: ICSL Variant Classification Criteria 13 December 2019. Collection method: clinical testing. Allele origin: germline.
Comment: This variant was observed in the ICSL laboratory as part of a predisposition screen in an ostensibly healthy population. It had not been previously curated by ICSL or reported in the Human Gene Mutation Database (HGMD: prior to June 1st, 2018), and was therefore a candidate for classification through an automated scoring system. Utilizing variant allele frequency, disease prevalence and penetrance estimates, and inheritance mode, an automated score was calculated to assess if this variant is too frequent to cause the disease. Based on the score and internal cut-off values, a variant classified as benign is not then subjected to further curation. The score for this variant resulted in a classification of benign for this disease.

Illumina Laboratory Services, Illumina
Classification: Benign for Autosomal dominant nonsyndromic hearing loss 6. Last evaluated: 2018-01-13. Review status: criteria provided, single submitter. Criteria: ICSL Variant Classification Criteria 13 December 2019. Collection method: clinical testing. Allele origin: germline.
Comment: the same text as in the submission from Illumina Laboratory Services, Illumina above.

Breakthrough Genomics
Classification: Benign. Review status: criteria provided, single submitter. Criteria: ACMG Guidelines, 2015. Collection method: not provided. Allele origin: germline. Inheritance: Autosomal recessive inheritance. Affected: yes.

Dr. Peter K. Rogan Lab, Western University
No classification provided (evidence only). Condition: Lung cancer. Review status: no classification provided. Collection method: in vitro. Allele origin: not applicable. Functional consequence: retained intron. Not counted in ClinVar's aggregate classification.

Dr. Peter K. Rogan Lab, Western University
No classification provided (evidence only). Condition: Cervical cancer. Review status: no classification provided. Collection method: in vitro. Allele origin: not applicable. Functional consequence: retained intron. Not counted in ClinVar's aggregate classification.

NM_006005.3(WFS1):c.*604G>C

Gene: WFS1 (wolframin ER transmembrane glycoprotein; plus strand). Cytogenetic location: 4p16.1.
Variant type: single nucleotide variant.
Coding change: c.*604G>C on transcript NM_006005.3 (MANE Select); 604 bases downstream of the stop codon, G replaced by C.
Molecular consequence: 3 prime UTR variant.
Genome position (GRCh38, 1-based): chr4:6,303,072, G>C. VCF-style: chr4-6303072-G-C. GRCh37 (hg19) VCF-style: chr4-6304799-G-C.
Other names: NC_000004.11:g.6304799G>C; c.*604G>C (NM_001145853.1).
Identifiers: ClinVar variation 349354 (VCV000349354.7), dbSNP rs9457, ClinGen allele CA10621497.
Genomic context (GRCh38, chr4:6,303,072, plus strand): 5'-CGGCACATTGGCAGTGTGTCACACTGAGCTGGGCACCACAGGCTGCCTCATGACCCTCCT[G>C]TCCAGCAGGTAGTGGGTGAATGTGTGAAGGTCTTGCCTGAATCCATCAGGACTTGGGAAA-3'